The following is an entry in ClinVar:

NM_032043.3(BRIP1):c.1935+5G>A

Gene: BRIP1 (BRCA1 interacting DNA helicase 1; minus strand). Cytogenetic location: 17q23.2.
Variant type: single nucleotide variant.
Coding change: c.1935+5G>A on transcript NM_032043.3 (MANE Select); 5 bases into the intron after coding-DNA position 1935, G replaced by A.
Molecular consequence: intron variant.
Genome position (GRCh38, 1-based): chr17:61,780,256, C>T on the plus strand (G>A on the coding strand, the complement: BRIP1 is on the minus strand). VCF-style: chr17-61780256-C-T. GRCh37 (hg19) VCF-style: chr17-59857617-C-T.
Identifiers: ClinVar variation 584968 (VCV000584968.3), dbSNP rs1209289625, ClinGen allele CA891843518.

ClinVar aggregate classification (germline): Uncertain significance. Review status: criteria provided, multiple submitters, no conflicts (2 of 4 stars). 2 submissions from 2 submitters: Uncertain significance (2). Last evaluated 2023-12-22.

Conditions:
Fanconi anemia complementation group J. Also called: BRIP1-Related Fanconi Anemia. Identifiers: Orphanet 84, MedGen C1836860, MONDO:0012187, OMIM 609054.

Submissions (2):

GeneDx
Classification: Uncertain significance. Last evaluated: 2023-12-22. Review status: criteria provided, single submitter. Criteria: GeneDx Variant Classification Process June 2021. Collection method: clinical testing. Allele origin: germline. Affected: yes.
Comment: Not observed at significant frequency in large population cohorts (gnomAD); In silico analysis supports a deleterious effect on splicing; Has not been previously published as pathogenic or benign to our knowledge

Mendelics
Classification: Uncertain significance for Fanconi anemia, complementation group J. Last evaluated: 2018-07-02. Review status: criteria provided, single submitter. Criteria: Mendelics Assertion Criteria 2017. Collection method: clinical testing. Allele origin: unknown.